The following is an entry in ClinVar:

NM_001204.7(BMPR2):c.2462C>T (p.Ala821Val)

Gene: BMPR2 (bone morphogenetic protein receptor type 2; plus strand). Cytogenetic location: 2q33.2.
Variant type: single nucleotide variant.
Coding change: c.2462C>T on transcript NM_001204.7 (MANE Select); coding-DNA position 2462, C replaced by T.
Protein change: p.Ala821Val; replaces alanine 821 with valine.
Molecular consequence: missense variant.
Genome position (GRCh38, 1-based): chr2:202,556,127, C>T. VCF-style: chr2-202556127-C-T. GRCh37 (hg19) VCF-style: chr2-203420850-C-T.
Other names: short protein forms A821V.
Identifiers: ClinVar variation 3481293 (VCV003481293.1).

ClinVar aggregate classification (germline): Uncertain significance (1 of 4 stars; one submission).

Conditions:
Inborn genetic diseases. Identifiers: MedGen C0950123, MeSH D030342.

gnomAD v4.1: 3 of 1,613,898 alleles (0.00019%); highest among the groups gnomAD compares: African/African-American, 0.004%; no homozygotes.

Submission:

Ambry Genetics
Classification: Uncertain significance for Inborn genetic diseases. Last evaluated: 2024-11-24. Review status: criteria provided, single submitter. Criteria: Ambry Variant Classification Scheme 2023. Collection method: clinical testing. Allele origin: germline.
Comment: The p.A821V variant (also known as c.2462C>T), located in coding exon 12 of the BMPR2 gene, results from a C to T substitution at nucleotide position 2462. The alanine at codon 821 is replaced by valine, an amino acid with similar properties. This amino acid position is conserved. In addition, this alteration is predicted to be tolerated by in silico analysis. Based on the available evidence, the clinical significance of this variant remains unclear.